The following is an entry in ClinVar:

ClinVar aggregate classification (germline): Benign. Review status: criteria provided, multiple submitters, no conflicts (2 of 4 stars). 4 submissions from 4 submitters: Benign (4). Last evaluated 2026-01-26.

Conditions:
Renal tubular dysgenesis. Also called: Renotubular dysgenesis. Identifiers: Orphanet 3033, MedGen C0266313, MONDO:0017609, HP:0008660.

Allele frequency attached by ClinVar (database versions not stated): gnomAD 0.02833; TOPMed 0.02904; 1000 Genomes Project 0.03055; 1000 Genomes Project 30x 0.03186; ESP Exome Variant Server 0.03206.
gnomAD v4.1: 8,356 of 1,613,996 alleles (0.52%); highest among the groups gnomAD compares: African/African-American, 9.5%; 329 homozygotes.

Submissions (4):

Labcorp Genetics (formerly Invitae), Labcorp
Classification: Benign. Last evaluated: 2026-01-26. Review status: criteria provided, single submitter. Criteria: Invitae Variant Classification Sherloc (09022015). Collection method: clinical testing. Allele origin: germline.

Mayo Clinic Laboratories, Mayo Clinic
Classification: Benign. Last evaluated: 2023-04-12. Review status: criteria provided, single submitter. Criteria: ACMG Guidelines, 2015. Collection method: clinical testing. Allele origin: germline. Observed: 3 variant alleles.

Illumina Laboratory Services, Illumina
Classification: Benign for Renal tubular dysgenesis of genetic origin. Last evaluated: 2018-01-13. Review status: criteria provided, single submitter. Criteria: ICSL Variant Classification Criteria 13 December 2019. Collection method: clinical testing. Allele origin: germline.
Comment: This variant was observed in the ICSL laboratory as part of a predisposition screen in an ostensibly healthy population. It had not been previously curated by ICSL or reported in the Human Gene Mutation Database (HGMD: prior to June 1st, 2018), and was therefore a candidate for classification through an automated scoring system. Utilizing variant allele frequency, disease prevalence and penetrance estimates, and inheritance mode, an automated score was calculated to assess if this variant is too frequent to cause the disease. Based on the score and internal cut-off values, a variant classified as benign is not then subjected to further curation. The score for this variant resulted in a classification of benign for this disease.

Breakthrough Genomics
Classification: Benign. Review status: criteria provided, single submitter. Criteria: ACMG Guidelines, 2015. Collection method: not provided. Allele origin: germline. Inheritance: Autosomal recessive inheritance. Affected: yes.

NM_000789.4(ACE):c.781G>T (p.Ala261Ser)

Gene: ACE (angiotensin I converting enzyme; plus strand). Cytogenetic location: 17q23.3.
Variant type: single nucleotide variant.
Coding change: c.781G>T on transcript NM_000789.4 (MANE Select); coding-DNA position 781, G replaced by T.
Protein change: p.Ala261Ser; replaces alanine 261 with serine.
Molecular consequence: missense variant.
Genome position (GRCh38, 1-based): chr17:63,480,462, G>T. VCF-style: chr17-63480462-G-T. GRCh37 (hg19) VCF-style: chr17-61557823-G-T.
Other names: short protein forms A261S.
Identifiers: ClinVar variation 324369 (VCV000324369.17), dbSNP rs4303, ClinGen allele CA8699239.